The following is an entry in ClinVar:

ClinVar aggregate classification (germline): Uncertain significance (1 of 4 stars; one submission).

Conditions:
Elliptocytosis 1 (EL1). Also called: PROTEIN 4.1 OF ERYTHROCYTE MEMBRANE, DEFECT OF; 4.1- TRAIT; 4.1-MINUS TRAIT; ELLIPTOCYTOSIS, RHESUS-LINKED TYPE. Identifiers: Orphanet 288, MedGen C2678497, MONDO:0012731, OMIM 611804.

gnomAD v4.1: 45 of 1,613,816 alleles (0.0028%); highest among the groups gnomAD compares: South Asian, 0.049%; no homozygotes.

Submission:

Johns Hopkins Genomics, Johns Hopkins University
Classification: Uncertain significance for Elliptocytosis 1. Last evaluated: 2024-04-29. Review status: criteria provided, single submitter. Criteria: ACMG Guidelines, 2015. Collection method: clinical testing. Allele origin: germline.
Comment: This EPB41 missense variant (rs759931613) is rare (<0.1%) in a large population dataset (gnomAD v4.1.0: 45/1613816 total alleles; 0.003%; no homozygotes). It has not been reported in ClinVar nor the literature, to our knowledge. Of two bioinformatic tools queried, one predicts that this substitution would be tolerated, while the other predicts it is damaging, and the threonine residue at this position is evolutionarily conserved across most the species assessed. We consider the clinical significance of c.2128A>G in EPB41 to be uncertain at this time.

Literature cited by the submitters: PubMed 38397451.

NM_001376013.1(EPB41):c.2128A>G (p.Thr710Ala)

Gene: EPB41 (erythrocyte membrane protein band 4.1; plus strand). Cytogenetic location: 1p35.3.
Variant type: single nucleotide variant.
Coding change: c.2128A>G on transcript NM_001376013.1 (MANE Select); coding-DNA position 2128, A replaced by G.
Protein change: p.Thr710Ala; replaces threonine 710 with alanine.
Molecular consequence: missense variant.
Genome position (GRCh38, 1-based): chr1:29,065,102, A>G. VCF-style: chr1-29065102-A-G. GRCh37 (hg19) VCF-style: chr1-29391614-A-G.
Other names: c.1402A>G, p.Thr468Ala (NM_004437.4); c.1459A>G, p.Thr487Ala (NM_203342.3); c.1861A>G, p.Thr621Ala (NM_203343.3); c.2128A>G, p.Thr710Ala (NM_001166005.2, NM_001376016.1, NM_001376017.1 and 1 more transcripts); c.2086A>G, p.Thr696Ala (NM_001166006.2); c.1339A>G, p.Thr447Ala (NM_001166007.2, NM_001376027.1); c.2023A>G, p.Thr675Ala (NM_001376014.1, NM_001376015.1); c.2125A>G, p.Thr709Ala (NM_001376018.1, NM_001376020.1); and 4 more; short protein forms T446A, T447A, T465A, T468A, T487A, T501A, T621A, T656A.
Identifiers: ClinVar variation 4280002 (VCV004280002.1).
Genomic context (GRCh38, chr1:29,065,102, plus strand): 5'-AAGAACTTCATGGAGTCTGTACCAGAACCACGGCCTAGTGAATGGGATAAACGCTTATCC[A>G]CTCACTCACCCTTCCGAACTCTTAACATCAATGGGCAAATCCCCACAGGAGAAGGAGTGA-3'
Protein context (NP_001362942.1, residues 700-720): RPSEWDKRLS[Thr710Ala]HSPFRTLNIN